The following is an entry in ClinVar:

NM_016107.5(ZFR):c.1348G>T (p.Ala450Ser)

Gene: ZFR (zinc finger RNA binding protein; minus strand). Cytogenetic location: 5p13.3.
Variant type: single nucleotide variant.
Coding change: c.1348G>T on transcript NM_016107.5 (MANE Select); coding-DNA position 1348, G replaced by T.
Protein change: p.Ala450Ser; replaces alanine 450 with serine.
Molecular consequence: missense variant. On other transcripts: non-coding transcript variant (1).
Genome position (GRCh38, 1-based): chr5:32,403,274, C>A on the plus strand (G>T on the coding strand, the complement: ZFR is on the minus strand). VCF-style: chr5-32403274-C-A. GRCh37 (hg19) VCF-style: chr5-32403379-C-A.
Other names: short protein forms A450S.
Identifiers: ClinVar variation 1979412 (VCV001979412.4), dbSNP rs2478408210, ClinGen allele CA359359999.

ClinVar aggregate classification (germline): Uncertain significance (1 of 4 stars; one submission).

Conditions:
Pure or complex autosomal recessive spastic paraplegia. Identifiers: Orphanet 320346, MedGen C5679887, MONDO:0017915.

Submission:

Labcorp Genetics (formerly Invitae), Labcorp
Classification: Uncertain significance for Pure or complex autosomal recessive spastic paraplegia. Last evaluated: 2022-04-06. Review status: criteria provided, single submitter. Criteria: Invitae Variant Classification Sherloc (09022015). Collection method: clinical testing. Allele origin: germline.
Comment: In summary, the available evidence is currently insufficient to determine the role of this variant in disease. Therefore, it has been classified as a Variant of Uncertain Significance. Algorithms developed to predict the effect of missense changes on protein structure and function are either unavailable or do not agree on the potential impact of this missense change (SIFT: "Tolerated"; PolyPhen-2: "Not Available"; Align-GVGD: "Class C0"). This variant has not been reported in the literature in individuals affected with ZFR-related conditions. This variant is not present in population databases (gnomAD no frequency). This sequence change replaces alanine, which is neutral and non-polar, with serine, which is neutral and polar, at codon 450 of the ZFR protein (p.Ala450Ser).